The following is an entry in ClinVar:

ClinVar aggregate classification (germline): Uncertain significance. Review status: criteria provided, multiple submitters, no conflicts (2 of 4 stars). 2 submissions from 2 submitters: Uncertain significance (2). Last evaluated 2023-07-16.

Conditions:
MYH6-related disorder. Also called: MYH6-related condition; MYH6-Related Disorders.

Allele frequency attached by ClinVar (database versions not stated): gnomAD exomes below 0.00001; ExAC 0.00001.
gnomAD v4.1: 1 of 1,613,844 alleles (0.000062%); highest among the groups gnomAD compares: Non-Finnish European, 0.000085%; no homozygotes.

Submissions (2):

PreventionGenetics, part of Exact Sciences
Classification: Uncertain significance for MYH6-related condition. Last evaluated: 2023-07-16. Review status: criteria provided, single submitter. Criteria: ACMG Guidelines, 2015. Collection method: clinical testing. Allele origin: germline.
Comment: The MYH6 c.5404G>A variant is predicted to result in the amino acid substitution p.Ala1802Thr. To our knowledge, this variant has not been reported in the literature. This variant is reported in 0.00088% of alleles in individuals of European (Non-Finnish) descent in gnomAD. At this time, the clinical significance of this variant is uncertain due to the absence of conclusive functional and genetic evidence.

GeneDx
Classification: Uncertain significance. Last evaluated: 2023-05-12. Review status: criteria provided, single submitter. Criteria: GeneDx Variant Classification Process June 2021. Collection method: clinical testing. Allele origin: germline. Affected: yes.
Comment: Not observed at significant frequency in large population cohorts (gnomAD); In silico analysis supports that this missense variant has a deleterious effect on protein structure/function; Has not been previously published as pathogenic or benign to our knowledge

NM_002471.4(MYH6):c.5404G>A (p.Ala1802Thr)

Gene: MYH6 (myosin heavy chain 6; minus strand). Cytogenetic location: 14q11.2.
Variant type: single nucleotide variant.
Coding change: c.5404G>A on transcript NM_002471.4 (MANE Select); coding-DNA position 5404, G replaced by A.
Protein change: p.Ala1802Thr; replaces alanine 1802 with threonine.
Molecular consequence: missense variant.
Genome position (GRCh38, 1-based): chr14:23,384,603, C>T on the plus strand (G>A on the coding strand, the complement: MYH6 is on the minus strand). VCF-style: chr14-23384603-C-T. GRCh37 (hg19) VCF-style: chr14-23853812-C-T.
Other names: short protein forms A1802T.
Identifiers: ClinVar variation 2631351 (VCV002631351.2), dbSNP rs776846094, ClinGen allele CA7114439.
Genomic context (GRCh38, chr14:23,384,603, plus strand): 5'-GCACCCGCGCTTCCAGCTTCTGCAGCTGCTTCTTGCCTCCCTTGAGGGCGATCTGCTCGG[C>T]CTCGTCCAGCCGGTGCTGCAGGTCCTTAATGGTCTGCTCCATGTTCTTCTTCATGCGCTC-3'
Protein context (NP_002462.2, residues 1792-1812): IKDLQHRLDE[Ala1802Thr]EQIALKGGKK